The following is an entry in ClinVar:

ClinVar aggregate classification (germline): Uncertain significance. Review status: criteria provided, multiple submitters, no conflicts (2 of 4 stars). 2 submissions from 2 submitters: Uncertain significance (2). Last evaluated 2022-07-05.

Conditions:
Leber congenital amaurosis 4 (LCA4). Identifiers: MedGen C1858386, MONDO:0011458, OMIM 604393.

Allele frequency attached by ClinVar (database versions not stated): gnomAD 0.00001; gnomAD exomes 0.00002 and 0.00005; TOPMed 0.00003; ExAC 0.00004.
gnomAD v4.1: 15 of 1,614,088 alleles (0.00093%); highest among the groups gnomAD compares: Admixed American, 0.025%; no homozygotes.

Submissions (2):

Labcorp Genetics (formerly Invitae), Labcorp
Classification: Uncertain significance for Leber congenital amaurosis 4. Last evaluated: 2022-07-05. Review status: criteria provided, single submitter. Criteria: Invitae Variant Classification Sherloc (09022015). Collection method: clinical testing. Allele origin: germline.
Comment: This sequence change replaces isoleucine, which is neutral and non-polar, with valine, which is neutral and non-polar, at codon 16 of the AIPL1 protein (p.Ile16Val). This variant is present in population databases (rs767405804, gnomAD 0.04%). This variant has not been reported in the literature in individuals affected with AIPL1-related conditions. ClinVar contains an entry for this variant (Variation ID: 1419668). Algorithms developed to predict the effect of missense changes on protein structure and function (SIFT, PolyPhen-2, Align-GVGD) all suggest that this variant is likely to be tolerated. In summary, the available evidence is currently insufficient to determine the role of this variant in disease. Therefore, it has been classified as a Variant of Uncertain Significance.

Blueprint Genetics
Classification: Uncertain significance. Last evaluated: 2019-09-14. Review status: criteria provided, single submitter. Criteria: ACMG Guidelines, 2015. Collection method: clinical testing. Allele origin: germline.

NM_014336.5(AIPL1):c.46A>G (p.Ile16Val)

Gene: AIPL1 (AIP like 1 HSP90 co-chaperone; minus strand). Cytogenetic location: 17p13.2.
Variant type: single nucleotide variant.
Coding change: c.46A>G on transcript NM_014336.5 (MANE Select); coding-DNA position 46, A replaced by G.
Protein change: p.Ile16Val; replaces isoleucine 16 with valine.
Molecular consequence: missense variant. On other transcripts: 5 prime UTR variant (1).
Genome position (GRCh38, 1-based): chr17:6,435,059, T>C on the plus strand (A>G on the coding strand, the complement: AIPL1 is on the minus strand). VCF-style: chr17-6435059-T-C. GRCh37 (hg19) VCF-style: chr17-6338379-T-C.
Other names: c.46A>G, p.Ile16Val (NM_001033054.3, NM_001033055.3, NM_001285399.3 and 3 more transcripts); c.-130A>G (NM_001285402.2); short protein forms I16V.
Identifiers: ClinVar variation 1419668 (VCV001419668.6), dbSNP rs767405804, ClinGen allele CA8328676.
Genomic context (GRCh38, chr17:6,435,059, plus strand): 5'-CCCCACTCACTCGGGATCCGGTGATGAAGTTTGGGAGCTCGCCCGTGCCCCCGTGCAGAA[T>C]GGTTTTCTTGACCCCTTCCACGTTCAGGAGCAGAGCGGCATCCATGGCTGCAGGAGAAAG-3'
Protein context (NP_055151.3, residues 6-26): LLNVEGVKKT[Ile16Val]LHGGTGELPN